The following is an entry in ClinVar:

NM_001379110.1(SLC9A6):c.1420G>T (p.Gly474Cys)

Gene: SLC9A6 (solute carrier family 9 member A6; plus strand). Cytogenetic location: Xq26.3.
Variant type: single nucleotide variant.
Coding change: c.1420G>T on transcript NM_001379110.1 (MANE Select); coding-DNA position 1420, G replaced by T.
Protein change: p.Gly474Cys; replaces glycine 474 with cysteine.
Molecular consequence: missense variant.
Genome position (GRCh38, 1-based): chrX:136,024,443, G>T. VCF-style: chrX-136024443-G-T. GRCh37 (hg19) VCF-style: chrX-135106602-G-T.
Other names: c.1576G>T, p.Gly526Cys (NM_001042537.2); c.1420G>T, p.Gly474Cys (NM_001177651.2); c.1324G>T, p.Gly442Cys (NM_001330652.2); c.1480G>T, p.Gly494Cys (NM_006359.3); short protein forms G474C, G442C, G526C, G494C.
Identifiers: ClinVar variation 1035423 (VCV001035423.9), dbSNP rs2071193961, ClinGen allele CA414754745.

ClinVar aggregate classification (germline): Uncertain significance (1 of 4 stars; one submission).

Conditions:
Christianson syndrome (MRXSCH). Also called: SLC9A6-Related Syndromic Mental Retardation; INTELLECTUAL DEVELOPMENTAL DISORDER, X-LINKED, SYNDROMIC, CHRISTIANSON TYPE; X-linked mental retardation, syndromic, Christianson type. Identifiers: Orphanet 85278, MedGen C2678194, MONDO:0010278, OMIM 300243.

Submission:

Labcorp Genetics (formerly Invitae), Labcorp
Classification: Uncertain significance for Christianson syndrome. Last evaluated: 2020-06-06. Review status: criteria provided, single submitter. Criteria: Invitae Variant Classification Sherloc (09022015). Collection method: clinical testing. Allele origin: germline.
Comment: This sequence change replaces glycine with cysteine at codon 494 of the SLC9A6 protein (p.Gly494Cys). The glycine residue is highly conserved and there is a large physicochemical difference between glycine and cysteine. In summary, the available evidence is currently insufficient to determine the role of this variant in disease. Therefore, it has been classified as a Variant of Uncertain Significance. Algorithms developed to predict the effect of missense changes on protein structure and function are either unavailable or do not agree on the potential impact of this missense change (SIFT: "Deleterious"; PolyPhen-2: "Probably Damaging"; Align-GVGD: "Class C0"). This variant has not been reported in the literature in individuals with SLC9A6-related conditions. This variant is not present in population databases (ExAC no frequency).